The following is an entry in ClinVar:

NM_001845.6(COL4A1):c.164G>A (p.Gly55Glu)

Gene: COL4A1 (collagen type IV alpha 1 chain; minus strand). Cytogenetic location: 13q34.
Variant type: single nucleotide variant.
Coding change: c.164G>A on transcript NM_001845.6 (MANE Select); coding-DNA position 164, G replaced by A.
Protein change: p.Gly55Glu; replaces glycine 55 with glutamic acid.
Molecular consequence: missense variant.
Genome position (GRCh38, 1-based): chr13:110,213,996, C>T on the plus strand (G>A on the coding strand, the complement: COL4A1 is on the minus strand). VCF-style: chr13-110213996-C-T. GRCh37 (hg19) VCF-style: chr13-110866343-C-T.
Other names: c.164G>A, p.Gly55Glu (NM_001303110.2); short protein forms G55E.
Identifiers: ClinVar variation 4710115 (VCV004710115.1).

ClinVar aggregate classification (germline): Likely pathogenic (1 of 4 stars; one submission).

Submission:

Labcorp Genetics (formerly Invitae), Labcorp
Classification: Likely pathogenic. Last evaluated: 2025-07-24. Review status: criteria provided, single submitter. Criteria: Invitae Variant Classification Sherloc (09022015). Collection method: clinical testing. Allele origin: germline.
Comment: This sequence change replaces glycine, which is neutral and non-polar, with glutamic acid, which is acidic and polar, at codon 55 of the COL4A1 protein (p.Gly55Glu). This variant is not present in population databases (gnomAD no frequency). This missense change has been observed in individual(s) with COL4A1-related conditions (PMID: 26633542, 33057194). Invitae Evidence Modeling of protein sequence and biophysical properties (such as structural, functional, and spatial information, amino acid conservation, physicochemical variation, residue mobility, and thermodynamic stability) indicates that this missense variant is expected to disrupt COL4A1 protein function with a positive predictive value of 95%. This variant disrupts the triple helix domain of COL4A1. Glycine residues within the Gly-Xaa-Yaa repeats of the triple helix domain are required for the structure and stability of fibrillar collagens (PMID: 7695699, 8218237, 19344236). In COL4A1 variants affecting these glycine residues are significantly enriched in individuals with disease (PMID: 9016532, 17078022) compared to the general population (ExAC). In summary, the currently available evidence indicates that the variant is pathogenic, but additional data are needed to prove that conclusively. Therefore, this variant has been classified as Likely Pathogenic.

Literature cited by the submitters: PubMed 26633542; PubMed 33057194; PubMed 7695699; PubMed 8218237; PubMed 19344236; PubMed 9016532; PubMed 17078022.